The following is an entry in ClinVar:

ClinVar aggregate classification (germline): Likely pathogenic (1 of 4 stars; one submission).

Conditions:
Very long chain acyl-CoA dehydrogenase deficiency (ACADVLD). Also called: Very Long-Chain Acyl-Coenzyme A Dehydrogenase Deficiency; VLCAD Deficiency. Identifiers: Orphanet 26793, MedGen C3887523, MONDO:0008723, OMIM 201475.

Submission:

Labcorp Genetics (formerly Invitae), Labcorp
Classification: Likely pathogenic for Very long chain acyl-CoA dehydrogenase deficiency. Last evaluated: 2022-11-29. Review status: criteria provided, single submitter. Criteria: Invitae Variant Classification Sherloc (09022015). Collection method: clinical testing. Allele origin: germline.
Comment: In summary, the currently available evidence indicates that the variant is pathogenic, but additional data are needed to prove that conclusively. Therefore, this variant has been classified as Likely Pathogenic. Experimental studies have shown that this missense change affects ACADVL function (PMID: 23480858). Advanced modeling of protein sequence and biophysical properties (such as structural, functional, and spatial information, amino acid conservation, physicochemical variation, residue mobility, and thermodynamic stability) performed at Invitae indicates that this missense variant is expected to disrupt ACADVL protein function. This missense change has been observed in individual(s) with ACADVL-related conditions (PMID: 23480858). This variant is not present in population databases (gnomAD no frequency). This sequence change replaces leucine, which is neutral and non-polar, with proline, which is neutral and non-polar, at codon 540 of the ACADVL protein (p.Leu540Pro).

Literature cited by the submitters: PubMed 23480858.

NM_000018.4(ACADVL):c.1619T>C (p.Leu540Pro)

Gene: ACADVL (acyl-CoA dehydrogenase very long chain; plus strand). Cytogenetic location: 17p13.1.
Variant type: single nucleotide variant.
Coding change: c.1619T>C on transcript NM_000018.4 (MANE Select); coding-DNA position 1619, T replaced by C.
Protein change: p.Leu540Pro; replaces leucine 540 with proline.
Molecular consequence: missense variant.
Genome position (GRCh38, 1-based): chr17:7,224,493, T>C. VCF-style: chr17-7224493-T-C. GRCh37 (hg19) VCF-style: chr17-7127812-T-C.
Other names: c.1553T>C, p.Leu518Pro (NM_001033859.3); c.1688T>C, p.Leu563Pro (NM_001270447.2); c.1391T>C, p.Leu464Pro (NM_001270448.2); short protein forms L518P, L464P, L540P, L563P.
Identifiers: ClinVar variation 2736410 (VCV002736410.3), dbSNP rs2508361079, ClinGen allele CA397725500.